The following is an entry in ClinVar:

ClinVar aggregate classification (germline): Uncertain significance. Review status: criteria provided, multiple submitters, no conflicts (2 of 4 stars). 2 submissions from 2 submitters: Uncertain significance (2). Last evaluated 2025-01-23.

Conditions:
Neuroblastoma, susceptibility to, 3. Also called: ALK-Related Neuroblastic Tumor Susceptibility. Identifiers: Orphanet 635, MedGen C2751681, MONDO:0013083, OMIM 613014.

Allele frequency attached by ClinVar (database versions not stated): gnomAD exomes below 0.00001.
gnomAD v4.1: 5 of 1,613,936 alleles (0.00031%); highest among the groups gnomAD compares: Non-Finnish European, 0.00042%; no homozygotes.

Submissions (2):

Labcorp Genetics (formerly Invitae), Labcorp
Classification: Uncertain significance for Neuroblastoma, susceptibility to, 3. Last evaluated: 2025-01-23. Review status: criteria provided, single submitter. Criteria: Invitae Variant Classification Sherloc (09022015). Collection method: clinical testing. Allele origin: germline.
Comment: This sequence change replaces valine, which is neutral and non-polar, with alanine, which is neutral and non-polar, at codon 1569 of the ALK protein (p.Val1569Ala). This variant is not present in population databases (gnomAD no frequency). This missense change has been observed in individual(s) with personal and/or family history of breast cancer (PMID: 35980532). ClinVar contains an entry for this variant (Variation ID: 1039893). An algorithm developed to predict the effect of missense changes on protein structure and function (PolyPhen-2) suggests that this variant is likely to be disruptive. In summary, the available evidence is currently insufficient to determine the role of this variant in disease. Therefore, it has been classified as a Variant of Uncertain Significance.

Baylor Genetics
Classification: Uncertain significance for Neuroblastoma, susceptibility to, 3. Last evaluated: 2024-03-26. Review status: criteria provided, single submitter. Criteria: ACMG Guidelines, 2015. Collection method: clinical testing. Allele origin: unknown.

Literature cited by the submitters: PubMed 35980532 (cited by Labcorp Genetics (formerly Invitae), Labcorp).

NM_004304.5(ALK):c.4706T>C (p.Val1569Ala)

Gene: ALK (ALK receptor tyrosine kinase; minus strand). Cytogenetic location: 2p23.2.
Variant type: single nucleotide variant.
Coding change: c.4706T>C on transcript NM_004304.5 (MANE Select); coding-DNA position 4706, T replaced by C.
Protein change: p.Val1569Ala; replaces valine 1569 with alanine.
Molecular consequence: missense variant.
Genome position (GRCh38, 1-based): chr2:29,193,381, A>G on the plus strand (T>C on the coding strand, the complement: ALK is on the minus strand). VCF-style: chr2-29193381-A-G. GRCh37 (hg19) VCF-style: chr2-29416247-A-G.
Other names: c.1502T>C, p.Val501Ala (NM_001353765.2); short protein forms V1569A, V501A.
Identifiers: ClinVar variation 1039893 (VCV001039893.9), dbSNP rs1668926110, ClinGen allele CA346460414.